The following is an entry in ClinVar:

ClinVar aggregate classification (germline): Uncertain significance. Review status: criteria provided, multiple submitters, no conflicts (2 of 4 stars). 2 submissions from 2 submitters: Uncertain significance (2). Last evaluated 2025-08-20.

Allele frequency attached by ClinVar (database versions not stated): gnomAD 0.00003; ExAC 0.00005; TOPMed 0.00006; ESP Exome Variant Server 0.00022.
gnomAD v4.1: 79 of 1,551,866 alleles (0.0051%); highest among the groups gnomAD compares: African/African-American, 0.0082%; no homozygotes.

Submissions (2):

Ambry Genetics
Classification: Uncertain significance. Last evaluated: 2025-08-20. Review status: criteria provided, single submitter. Criteria: Ambry Variant Classification Scheme 2023. Collection method: clinical testing. Allele origin: germline.

Labcorp Genetics (formerly Invitae), Labcorp
Classification: Uncertain significance. Last evaluated: 2025-05-22. Review status: criteria provided, single submitter. Criteria: Invitae Variant Classification Sherloc (09022015). Collection method: clinical testing. Allele origin: germline.
Comment: This sequence change replaces arginine, which is basic and polar, with cysteine, which is neutral and slightly polar, at codon 742 of the WDR87 protein (p.Arg742Cys). This variant is present in population databases (rs376688180, gnomAD 0.01%). This variant has not been reported in the literature in individuals affected with WDR87-related conditions. ClinVar contains an entry for this variant (Variation ID: 2221855). An algorithm developed to predict the effect of missense changes on protein structure and function (PolyPhen-2) suggests that this variant is likely to be disruptive. In summary, the available evidence is currently insufficient to determine the role of this variant in disease. Therefore, it has been classified as a Variant of Uncertain Significance.

NM_001291088.2(WDR87):c.2341C>T (p.Arg781Cys)

Gene: WDR87 (WD repeat domain 87; minus strand). Cytogenetic location: 19q13.13.
Variant type: single nucleotide variant.
Coding change: c.2341C>T on transcript NM_001291088.2 (MANE Select); coding-DNA position 2341, C replaced by T.
Protein change: p.Arg781Cys; replaces arginine 781 with cysteine.
Molecular consequence: missense variant.
Genome position (GRCh38, 1-based): chr19:37,893,362, G>A on the plus strand (C>T on the coding strand, the complement: WDR87 is on the minus strand). VCF-style: chr19-37893362-G-A. GRCh37 (hg19) VCF-style: chr19-38384002-G-A.
Other names: c.2224C>T, p.Arg742Cys (NM_031951.5); short protein forms R742C, R781C.
Identifiers: ClinVar variation 2221855 (VCV002221855.4), dbSNP rs376688180, ClinGen allele CA9408815.